The following is an entry in ClinVar:

NM_017617.5(NOTCH1):c.229G>A (p.Val77Met)

Gene: NOTCH1 (notch receptor 1; minus strand). Cytogenetic location: 9q34.3.
Variant type: single nucleotide variant.
Coding change: c.229G>A on transcript NM_017617.5 (MANE Select); coding-DNA position 229, G replaced by A.
Protein change: p.Val77Met; replaces valine 77 with methionine.
Molecular consequence: missense variant.
Genome position (GRCh38, 1-based): chr9:136,523,891, C>T on the plus strand (G>A on the coding strand, the complement: NOTCH1 is on the minus strand). VCF-style: chr9-136523891-C-T. GRCh37 (hg19) VCF-style: chr9-139418343-C-T.
Other names: short protein forms V77M.
Identifiers: ClinVar variation 4121652 (VCV004121652.1).
Genomic context (GRCh38, chr9:136,523,891, plus strand): 5'-GGGGCCCAGAGAAGCCCAGGGCACAGCTGCAGGCATAGTCTGCCACGCCTCTGCGGTCCA[C>T]CACGTGGCATGTCCCGGCGTTCTTGCAGGGGGTGCTGAGGCACGGGTTGGGGTCCTGGCA-3'
Protein context (NP_060087.3, residues 67-87): PCKNAGTCHV[Val77Met]DRRGVADYAC

ClinVar aggregate classification (germline): Uncertain significance (1 of 4 stars; one submission).

Conditions:
Familial thoracic aortic aneurysm and aortic dissection (TAAD). Also called: Thoracic aortic aneurysms and dissections. Identifiers: Orphanet 91387, MedGen C4707243, MONDO:0019625.

Submission:

Ambry Genetics
Classification: Uncertain significance for Familial thoracic aortic aneurysm and aortic dissection. Last evaluated: 2025-07-15. Review status: criteria provided, single submitter. Criteria: Ambry Variant Classification Scheme 2023. Collection method: clinical testing. Allele origin: germline.
Comment: The p.V77M variant (also known as c.229G>A), located in coding exon 3 of the NOTCH1 gene, results from a G to A substitution at nucleotide position 229. The valine at codon 77 is replaced by methionine, an amino acid with highly similar properties. This amino acid position is not well conserved in available vertebrate species. In addition, this alteration is predicted to be tolerated by in silico analysis. Based on the available evidence, the clinical significance of this variant remains unclear.